The following continues an entry in ClinVar:

NM_024675.4(PALB2):c.3113+5G>C

Gene: PALB2. ClinVar aggregate classification (germline): Pathogenic/Likely pathogenic. Pathogenic (4); Likely pathogenic (8).

Submissions 7 to 15 of 15:

ARUP Laboratories, Molecular Genetics and Genomics, ARUP Laboratories
Classification: Pathogenic. Last evaluated: 2024-10-31. Review status: criteria provided, single submitter. Criteria: ARUP Molecular Germline Variant Investigation Process 2024. Collection method: clinical testing. Allele origin: germline.
Comment: The PALB2 c.3113+5G>C variant (rs876659463, ClinVar Variation ID: 231961) is reported in the literature in heterozygous individuals affected with breast and/or ovarian cancer (Harter 2017, Song 2021, Wong-Brown 2014) and in an individual who also carried a pathogenic variant in trans affected with Fanconi anemia subtype FA-N (Reid 2007). This variant is absent from the Genome Aggregation Database (v2.1.1), indicating it is not a common polymorphism. This is an intronic variant and computational analyses (Alamut Visual Plus v.1.5.1) predict that this variant may impact splicing by weakening the nearby donor splice site. In addition, a minigene assay demonstrated that the mutant allele only produced minimal amounts of wild type length transcript (Valenzuela-Palomo 2022). Based on available information, this variant is considered to be pathogenic. References: Harter P et al. Prevalence of deleterious germline variants in risk genes including BRCA1/2 in consecutive ovarian cancer patients (AGO-TR-1). PLoS One. 2017 Oct 20;12(10):e0186043. PMID: 29053726. Reid S et al. Biallelic mutations in PALB2 cause Fanconi anemia subtype FA-N and predispose to childhood cancer. Nat Genet. 2007 Feb;39(2):162-4. PMID: 17200671. Song H et al. Population-based targeted sequencing of 54 candidate genes identifies PALB2 as a susceptibility gene for high-grade serous ovarian cancer. J Med Genet. 2021 May;58(5):305-313. PMID: 32546565. Valenzuela-Palomo A et al. Splicing predictions, minigene analyses, and ACMG-AMP clinical classification of 42 germline PALB2 splice-site variants. J Pathol. 2022 Mar;256(3):321-334. PMID: 34846068. Wong-Brown MW et al. Low prevalence of germline PALB2 mutations in Australian triple-negative breast cancer. Int J Cancer. 2014 Jan 15;134(2):301-5. PMID: 23824750.

Color Diagnostics, LLC DBA Color Health
Classification: Likely pathogenic for Hereditary cancer-predisposing syndrome. Last evaluated: 2024-08-06. Review status: criteria provided, single submitter. Criteria: ACMG Guidelines, 2015. Collection method: clinical testing. Allele origin: germline.
Comment: This variant causes a G to C nucleotide substitution at the +5 position of intron 10 of the PALB2 gene. It is also known as IVS10+5G>C in the literature. RNA studies have shown that this variant causes skipping of exon 9 and 10 (PMID: 17200671), deletion of the last 31 nucleotides of exon 10 (PMID: 30890586, 34846068), or skipping of exon 10 (PMID: 32133419) in the RNA transcripts. These aberrant transcripts are expected to result in an absent protein product or disrupted the functionally important WD40 repeats in the PALB2 protein. In a mini-gene assay, only 4.9% of the transcripts produced from the mutant allele showed normal length (PMID: 34846068). This variant has been observed in individuals affected with breast cancer (PMID: 23824750, 24415441). This variant has also been observed in the heterozygous state in a parent of an individual who is affected with Fanconi anemia and presumed to have this variant in trans with another PALB2 pathogenic variant (PMID: 17200671, 19264984). This variant has not been identified in the general population by the Genome Aggregation Database (gnomAD). Loss of PALB2 function is a known mechanism of disease. Based on the available evidence, this variant is classified as Likely Pathogenic.

Fulgent Genetics
Classification: Likely pathogenic for Fanconi anemia complementation group N; Pancreatic cancer, susceptibility to, 3; Breast-ovarian cancer, familial, susceptibility to, 5. Last evaluated: 2024-01-10. Review status: criteria provided, single submitter. Criteria: ACMG Guidelines, 2015. Collection method: clinical testing. Allele origin: germline.

Baylor Genetics
Classification: Likely pathogenic for Familial cancer of breast. Last evaluated: 2023-10-22. Review status: criteria provided, single submitter. Criteria: ACMG Guidelines, 2015. Collection method: clinical testing. Allele origin: unknown.

Myriad Genetics, Inc.
Classification: Likely pathogenic for Familial cancer of breast. Last evaluated: 2023-10-06. Review status: criteria provided, single submitter. Criteria: Myriad Autosomal Dominant, Autosomal Recessive and X-Linked Classification Criteria (2023). Collection method: clinical testing. Allele origin: unknown.
Comment: This variant is considered likely pathogenic. mRNA analysis has demonstrated abnormal mRNA splicing occurs [PMID: 30890586, 32133419, Myriad internal data]. This variant has been observed in trans with a known pathogenic variant in one or more individuals with Fanconi Anemia [PMID: 17200671].

Institute for Genomic Medicine (IGM) Clinical Laboratory, Nationwide Children's Hospital
Classification: Likely pathogenic for PALB2-related cancer predisposition. Last evaluated: 2023-09-06. Review status: criteria provided, single submitter. Criteria: ACMG Guidelines, 2015. Collection method: clinical testing. Allele origin: germline.
Comment: Well-established functional studies have demonstrated this variant to have a damaging effect on protein function or splicing (ACMG/AMP: PS3_Moderate; PMIDs:17200671, 30890586, 32133419). This variant has been reported at an elevated frequency in affected individuals/in multiple affected individuals in the literature (ACMG/AMP: PS4_Supporting; PMIDs:24415441, 23824750). This variant is absent from or present at an exceedingly low frequency in gnomAD, a large-scale control population database (ACMG/AMP: PM2). This variant is predicted to alter protein function or structure, or disrupt splicing by multiple in silico tools (ACMG/AMP: PP3).

Leiden Open Variation Database
Classification: Pathogenic. Last evaluated: 2019-05-13. Review status: no assertion criteria provided. Collection method: curation. Allele origin: germline. Affected: yes. Not counted in ClinVar's aggregate classification.
Comment: Curators: Marc Tischkowitz, Arleen D. Auerbach. Submitters to LOVD: Arleen D. Auerbach, LOVD-team, but with Curator vacancy, Marc Tischkowitz.

Clinical Genetics Laboratory, Department of Pathology, Netherlands Cancer Institute
Classification: Pathogenic. Review status: no assertion criteria provided. Collection method: clinical testing. Allele origin: germline. Affected: yes. Study: VKGL Data-share Consensus. Not counted in ClinVar's aggregate classification.

Diagnostic Laboratory, Department of Genetics, University Medical Center Groningen
Classification: Pathogenic. Review status: no assertion criteria provided. Collection method: clinical testing. Allele origin: germline. Affected: yes. Study: VKGL Data-share Consensus. Not counted in ClinVar's aggregate classification.

Literature cited by the submitters: PubMed 17200671 (cited by 8 submitters); PubMed 23824750 (cited by 7 submitters); PubMed 24415441 (cited by 7 submitters); PubMed 17576681 (cited by Labcorp Genetics (formerly Invitae), Labcorp); PubMed 9536098 (cited by Labcorp Genetics (formerly Invitae), Labcorp); PubMed 30890586 (cited by 6 submitters); PubMed 31642931 (cited by Women's Health and Genetics/Laboratory Corporation of America, LabCorp and Quest Diagnostics Nichols Institute San Juan Capistrano); PubMed 34846068 (cited by 3 submitters); PubMed 24870022 (cited by Ambry Genetics and Quest Diagnostics Nichols Institute San Juan Capistrano); PubMed 29053726 (cited by Quest Diagnostics Nichols Institute San Juan Capistrano); PubMed 19264984 (cited by 3 submitters); PubMed 32133419 (cited by 4 submitters).